The following is an entry in ClinVar:

NC_000006.11:g.(?_64430492)_(64431713_?)del

Gene: EYS (eyes shut homolog; minus strand). Cytogenetic location: 6q12.
Variant type: Deletion.
Identifiers: ClinVar variation 2423833 (VCV002423833.4).

ClinVar aggregate classification (germline): Pathogenic (1 of 4 stars; one submission).

Submission:

Labcorp Genetics (formerly Invitae), Labcorp
Classification: Pathogenic. Last evaluated: 2022-06-12. Review status: criteria provided, single submitter. Criteria: Invitae Variant Classification Sherloc (09022015). Collection method: clinical testing. Allele origin: germline.
Comment: For these reasons, this variant has been classified as Pathogenic. This variant disrupts a region of the EYS protein in which other variant(s) (p.Val3096Leufs*28) have been determined to be pathogenic (PMID: 18976725, 20333770, 24474277, 26261414, 29550188). This suggests that this is a clinically significant region of the protein, and that variants that disrupt it are likely to be disease-causing. This variant has not been reported in the literature in individuals affected with EYS-related conditions. This variant is a gross deletion of the genomic region encompassing exon(s) 43 of the EYS gene, which includes the termination codon. This deletion extends beyond the assayed region for this gene and therefore may encompass additional genes. While this deletion is not anticipated to lead to nonsense mediated decay, it is expected to alter mRNA translation or result in a truncated protein product.

Literature cited by the submitters: PubMed 18976725; PubMed 20333770; PubMed 24474277; PubMed 26261414; PubMed 29550188.